The following is an entry in ClinVar:

ClinVar aggregate classification (germline): Benign (1 of 4 stars; one submission).

Allele frequency attached by ClinVar (database versions not stated): 1000 Genomes Project 30x 0.00078; TOPMed 0.00078; 1000 Genomes Project 0.00060; gnomAD 0.00076.
gnomAD v4.1: 1,003 of 1,525,928 alleles (0.066%); highest among the groups gnomAD compares: Admixed American, 0.12%; no homozygotes.

Submission:

CeGaT Center for Human Genetics Tuebingen
Classification: Benign. Last evaluated: 2022-03-01. Review status: criteria provided, single submitter. Criteria: CeGaT Center For Human Genetics Tuebingen Variant Classification Criteria Version 2. Collection method: clinical testing. Allele origin: germline. Affected: yes. Observed: 1 variant allele.
Comment: BRD4: BS1, BS2

NM_001379291.1(BRD4):c.2159-4655G>A

Gene: BRD4 (bromodomain containing 4; minus strand). Cytogenetic location: 19p13.12.
Variant type: single nucleotide variant.
Coding change: c.2159-4655G>A on transcript NM_001379291.1 (MANE Select); 4655 bases into the intron before coding-DNA position 2159, G replaced by A.
Molecular consequence: intron variant.
Genome position (GRCh38, 1-based): chr19:15,249,417, C>T on the plus strand (G>A on the coding strand, the complement: BRD4 is on the minus strand). VCF-style: chr19-15249417-C-T. GRCh37 (hg19) VCF-style: chr19-15360228-C-T.
Other names: c.2159-4655G>A (NM_058243.3); c.2159-127G>A (NM_001379292.1, NM_014299.3).
Identifiers: ClinVar variation 2649464 (VCV002649464.24), dbSNP rs556525783, ClinGen allele CA305795754.